The following is an entry in ClinVar:

NM_001035.3(RYR2):c.8179C>T (p.His2727Tyr)

Gene: RYR2 (ryanodine receptor 2; plus strand). Cytogenetic location: 1q43.
Variant type: single nucleotide variant.
Coding change: c.8179C>T on transcript NM_001035.3 (MANE Select); coding-DNA position 8179, C replaced by T.
Protein change: p.His2727Tyr; replaces histidine 2727 with tyrosine.
Molecular consequence: missense variant.
Genome position (GRCh38, 1-based): chr1:237,657,993, C>T. VCF-style: chr1-237657993-C-T. GRCh37 (hg19) VCF-style: chr1-237821293-C-T.
Other names: short protein forms H2727Y.
Identifiers: ClinVar variation 2774338 (VCV002774338.2), dbSNP rs999460320, ClinGen allele CA39803893.

ClinVar aggregate classification (germline): Uncertain significance (1 of 4 stars; one submission).

Conditions:
Cardiomyopathy (CMYO). Also called: Cardiomyopathies. Identifiers: Orphanet 167848, MedGen C0878544, MONDO:0004994, HP:0001638. Inheritance: Various modes of inheritance.

Allele frequency attached by ClinVar (database versions not stated): gnomAD exomes below 0.00001; TOPMed below 0.00001.
gnomAD v4.1: 4 of 1,513,284 alleles (0.00026%); highest among the groups gnomAD compares: East Asian, 0.0026%; no homozygotes.

Submission:

Color Diagnostics, LLC DBA Color Health
Classification: Uncertain significance for Cardiomyopathy. Last evaluated: 2022-01-04. Review status: criteria provided, single submitter. Criteria: ACMG Guidelines, 2015. Collection method: clinical testing. Allele origin: germline.
Comment: This missense variant replaces histidine with tyrosine at codon 2727 of the RYR2 protein. Computational prediction suggests that this variant may not impact protein structure and function (internally defined REVEL score threshold <= 0.5, PMID: 27666373). To our knowledge, functional studies have not been reported for this variant. This variant has not been reported in individuals affected with cardiovascular disorders in the literature. This variant has not been identified in the general population by the Genome Aggregation Database (gnomAD). The available evidence is insufficient to determine the role of this variant in disease conclusively. Therefore, this variant is classified as a Variant of Uncertain Significance.